The following is an entry in ClinVar:

ClinVar aggregate classification (germline): Uncertain significance (1 of 4 stars; one submission).

Conditions:
Emery-Dreifuss muscular dystrophy 5, autosomal dominant (EDMD5). Also called: EMERY-DREIFUSS MUSCULAR DYSTROPHY 5. Identifiers: Orphanet 261, MedGen C2751805, MONDO:0013072, OMIM 612999.

Allele frequency attached by ClinVar (database versions not stated): gnomAD exomes 0.00001.
gnomAD v4.1: 16 of 1,614,140 alleles (0.00099%); highest among the groups gnomAD compares: Non-Finnish European, 0.0011%; no homozygotes.

Submission:

Labcorp Genetics (formerly Invitae), Labcorp
Classification: Uncertain significance for Emery-Dreifuss muscular dystrophy 5, autosomal dominant. Last evaluated: 2023-08-19. Review status: criteria provided, single submitter. Criteria: Invitae Variant Classification Sherloc (09022015). Collection method: clinical testing. Allele origin: germline.
Comment: This sequence change replaces leucine, which is neutral and non-polar, with phenylalanine, which is neutral and non-polar, at codon 5486 of the SYNE2 protein (p.Leu5486Phe). In summary, the available evidence is currently insufficient to determine the role of this variant in disease. Therefore, it has been classified as a Variant of Uncertain Significance. An algorithm developed to predict the effect of missense changes on protein structure and function (PolyPhen-2) suggests that this variant is likely to be disruptive. This variant has not been reported in the literature in individuals affected with SYNE2-related conditions. This variant is present in population databases (no rsID available, gnomAD 0.06%).

NM_182914.3(SYNE2):c.16456C>T (p.Leu5486Phe)

Gene: SYNE2 (spectrin repeat containing nuclear envelope protein 2; plus strand). Cytogenetic location: 14q23.2.
Variant type: single nucleotide variant.
Coding change: c.16456C>T on transcript NM_182914.3 (MANE Select); coding-DNA position 16456, C replaced by T.
Protein change: p.Leu5486Phe; replaces leucine 5486 with phenylalanine.
Molecular consequence: missense variant.
Genome position (GRCh38, 1-based): chr14:64,163,558, C>T. VCF-style: chr14-64163558-C-T. GRCh37 (hg19) VCF-style: chr14-64630276-C-T.
Other names: c.16456C>T, p.Leu5486Phe (NM_015180.6); short protein forms L5486F.
Identifiers: ClinVar variation 2914381 (VCV002914381.3), dbSNP rs1249625620, ClinGen allele CA389960799.